The following is an entry in ClinVar:

ClinVar aggregate classification (germline): Uncertain significance (1 of 4 stars; one submission).

Conditions:
Fanconi anemia complementation group O. Also called: RAD51C-Related Fanconi Anemia. Identifiers: Orphanet 84, MedGen C3150653, MONDO:0013248, OMIM 613390.

Allele frequency attached by ClinVar (database versions not stated): gnomAD exomes below 0.00001.
gnomAD v4.1: 1 of 1,614,252 alleles (0.000062%); highest among the groups gnomAD compares: East Asian, 0.0022%; no homozygotes.

Submission:

Labcorp Genetics (formerly Invitae), Labcorp
Classification: Uncertain significance for Fanconi anemia complementation group O. Last evaluated: 2025-07-30. Review status: criteria provided, single submitter. Criteria: Invitae Variant Classification Sherloc (09022015). Collection method: clinical testing. Allele origin: germline.
Comment: This sequence change replaces valine, which is neutral and non-polar, with methionine, which is neutral and non-polar, at codon 23 of the RAD51C protein (p.Val23Met). This variant is present in population databases (no rsID available, gnomAD 0.006%). This variant has not been reported in the literature in individuals affected with RAD51C-related conditions. ClinVar contains an entry for this variant (Variation ID: 1370860). Invitae Evidence Modeling of protein sequence and biophysical properties (such as structural, functional, and spatial information, amino acid conservation, physicochemical variation, residue mobility, and thermodynamic stability) indicates that this missense variant is not expected to disrupt RAD51C protein function with a negative predictive value of 80%. In summary, the available evidence is currently insufficient to determine the role of this variant in disease. Therefore, it has been classified as a Variant of Uncertain Significance.

NM_058216.3(RAD51C):c.67G>A (p.Val23Met)

Gene: RAD51C (RAD51 paralog C; plus strand). Cytogenetic location: 17q22.
Variant type: single nucleotide variant.
Coding change: c.67G>A on transcript NM_058216.3 (MANE Select); coding-DNA position 67, G replaced by A.
Protein change: p.Val23Met; replaces valine 23 with methionine.
Molecular consequence: missense variant. On other transcripts: non-coding transcript variant (1).
Genome position (GRCh38, 1-based): chr17:58,692,710, G>A. VCF-style: chr17-58692710-G-A. GRCh37 (hg19) VCF-style: chr17-56770071-G-A.
Other names: c.67G>A, p.Val23Met (NM_002876.4); short protein forms V23M.
Identifiers: ClinVar variation 1370860 (VCV001370860.6), dbSNP rs1386696811, ClinGen allele CA400336857.